The following is an entry in ClinVar:

NM_080628.3(TLDC2):c.*28T>C

Genes: SAMHD1 (SAM and HD domain containing deoxynucleoside triphosphate triphosphohydrolase 1; minus strand), TLDC2 (TBC/LysM-associated domain containing 2; plus strand). Cytogenetic location: 20q11.23.
Variant type: single nucleotide variant.
Coding change: c.*28T>C on transcript NM_080628.3 (MANE Select); 28 bases downstream of the stop codon, T replaced by C.
Molecular consequence: 3 prime UTR variant.
Genome position (GRCh38, 1-based): chr20:36,892,872, T>C. VCF-style: chr20-36892872-T-C. GRCh37 (hg19) VCF-style: chr20-35521275-T-C.
Other names: c.*28T>C (NM_001304783.1); c.*60A>G (NM_001363729.2, NM_015474.4); c.*1034A>G (NM_001363733.2).
Identifiers: ClinVar variation 338338 (VCV000338338.33), dbSNP rs45595032, ClinGen allele CA9844385.

ClinVar aggregate classification (germline): Benign/Likely benign. Review status: criteria provided, multiple submitters, no conflicts (2 of 4 stars). 3 submissions from 2 submitters: Benign (2); Likely benign (1). Last evaluated 2023-03-01.

Conditions:
Aicardi-Goutieres syndrome 5. Identifiers: Orphanet 51, MedGen C2749659, MONDO:0013059, OMIM 612952.
Chilblain lupus 2 (CHBL2). Identifiers: MedGen C3280721, MONDO:0013739, OMIM 614415.

Allele frequency attached by ClinVar (database versions not stated): 1000 Genomes Project 30x 0.00156; 1000 Genomes Project 0.00180; TOPMed 0.00316; gnomAD 0.00451 and 0.00466; gnomAD exomes 0.00516 and 0.00558; ExAC 0.00597.
gnomAD v4.1: 8,697 of 1,600,802 alleles (0.54%); highest among the groups gnomAD compares: Non-Finnish European, 0.62%; 39 homozygotes.

Submissions (3):

CeGaT Center for Human Genetics Tuebingen
Classification: Likely benign. Last evaluated: 2023-03-01. Review status: criteria provided, single submitter. Criteria: CeGaT Center For Human Genetics Tuebingen Variant Classification Criteria Version 2. Collection method: clinical testing. Allele origin: germline. Affected: yes. Observed: 4 variant alleles.
Comment: SAMHD1: BS2; TLDC2: BS2

Illumina Laboratory Services, Illumina
Classification: Benign for Chilblain lupus 2. Last evaluated: 2018-01-12. Review status: criteria provided, single submitter. Criteria: ICSL Variant Classification Criteria 13 December 2019. Collection method: clinical testing. Allele origin: germline.
Comment: This variant was observed in the ICSL laboratory as part of a predisposition screen in an ostensibly healthy population. It had not been previously curated by ICSL or reported in the Human Gene Mutation Database (HGMD: prior to June 1st, 2018), and was therefore a candidate for classification through an automated scoring system. Utilizing variant allele frequency, disease prevalence and penetrance estimates, and inheritance mode, an automated score was calculated to assess if this variant is too frequent to cause the disease. Based on the score and internal cut-off values, a variant classified as benign is not then subjected to further curation. The score for this variant resulted in a classification of benign for this disease.

Illumina Laboratory Services, Illumina
Classification: Benign for Aicardi-Goutieres syndrome 5. Last evaluated: 2018-01-12. Review status: criteria provided, single submitter. Criteria: ICSL Variant Classification Criteria 13 December 2019. Collection method: clinical testing. Allele origin: germline.
Comment: the same text as in the submission from Illumina Laboratory Services, Illumina above.